The following is an entry in ClinVar:

NM_014795.4(ZEB2):c.2300C>T (p.Thr767Ile)

Gene: ZEB2 (zinc finger E-box binding homeobox 2; minus strand). Cytogenetic location: 2q22.3.
Variant type: single nucleotide variant.
Coding change: c.2300C>T on transcript NM_014795.4 (MANE Select); coding-DNA position 2300, C replaced by T.
Protein change: p.Thr767Ile; replaces threonine 767 with isoleucine.
Molecular consequence: missense variant.
Genome position (GRCh38, 1-based): chr2:144,398,887, G>A on the plus strand (C>T on the coding strand, the complement: ZEB2 is on the minus strand). VCF-style: chr2-144398887-G-A. GRCh37 (hg19) VCF-style: chr2-145156454-G-A.
Other names: c.2228C>T, p.Thr743Ile (NM_001171653.2); short protein forms T767I, T743I.
Identifiers: ClinVar variation 513556 (VCV000513556.15), dbSNP rs755233964, ClinGen allele CA1898261.

ClinVar aggregate classification (germline): Conflicting classifications of pathogenicity. Review status: criteria provided, conflicting classifications (1 of 4 stars). 4 submissions from 4 submitters: Uncertain significance (1); Likely benign (3). Last evaluated 2025-08-14.

Conditions:
Inborn genetic diseases. Identifiers: MedGen C0950123, MeSH D030342.
Mowat-Wilson syndrome (MOWS). Also called: Classic Mowat-Wilson Syndrome. Identifiers: Orphanet 2152, MedGen C1856113, MONDO:0009341, OMIM 235730.

Allele frequency attached by ClinVar (database versions not stated): ExAC 0.00002; gnomAD 0.00002 and 0.00003; gnomAD exomes 0.00003 and 0.00008; TOPMed 0.00003.
gnomAD v4.1: 121 of 1,614,038 alleles (0.0075%); highest among the groups gnomAD compares: Non-Finnish European, 0.01%; no homozygotes.

Submissions (4):

Ambry Genetics
Classification: Likely benign for Inborn genetic diseases. Last evaluated: 2025-08-14. Review status: criteria provided, single submitter. Criteria: Ambry Variant Classification Scheme 2023. Collection method: clinical testing. Allele origin: germline.

Labcorp Genetics (formerly Invitae), Labcorp
Classification: Uncertain significance for Mowat-Wilson syndrome. Last evaluated: 2022-01-03. Review status: criteria provided, single submitter. Criteria: Invitae Variant Classification Sherloc (09022015). Collection method: clinical testing. Allele origin: germline.
Comment: ClinVar contains an entry for this variant (Variation ID: 513556). This variant has not been reported in the literature in individuals affected with ZEB2-related conditions. This variant is present in population databases (rs755233964, gnomAD 0.007%). This sequence change replaces threonine, which is neutral and polar, with isoleucine, which is neutral and non-polar, at codon 767 of the ZEB2 protein (p.Thr767Ile). In summary, the available evidence is currently insufficient to determine the role of this variant in disease. Therefore, it has been classified as a Variant of Uncertain Significance. Algorithms developed to predict the effect of missense changes on protein structure and function (SIFT, PolyPhen-2, Align-GVGD) all suggest that this variant is likely to be tolerated.

Genome-Nilou Lab
Classification: Likely benign for Mowat-Wilson syndrome. Last evaluated: 2021-11-07. Review status: criteria provided, single submitter. Criteria: ACMG Guidelines, 2015. Collection method: clinical testing. Allele origin: germline. Affected: no.

GeneDx
Classification: Likely benign. Last evaluated: 2019-11-05. Review status: criteria provided, single submitter. Criteria: GeneDx Variant Classification Process June 2021. Collection method: clinical testing. Allele origin: germline. Affected: yes.